The following is an entry in ClinVar:

ClinVar aggregate classification (germline): Uncertain significance (1 of 4 stars; one submission).

Conditions:
STING-associated vasculopathy with onset in infancy. Also called: Sting-associated vasculopathy, infantile-onset. Identifiers: Orphanet 425120, MedGen C4014722, MONDO:0014405, OMIM 615934.

Submission:

Labcorp Genetics (formerly Invitae), Labcorp
Classification: Uncertain significance for STING-associated vasculopathy with onset in infancy. Last evaluated: 2024-10-29. Review status: criteria provided, single submitter. Criteria: Invitae Variant Classification Sherloc (09022015). Collection method: clinical testing. Allele origin: germline.
Comment: This sequence change replaces serine, which is neutral and polar, with threonine, which is neutral and polar, at codon 27 of the TMEM173 protein (p.Ser27Thr). This variant is not present in population databases (gnomAD no frequency). This variant has not been reported in the literature in individuals affected with TMEM173-related conditions. Invitae Evidence Modeling of protein sequence and biophysical properties (such as structural, functional, and spatial information, amino acid conservation, physicochemical variation, residue mobility, and thermodynamic stability) indicates that this missense variant is not expected to disrupt TMEM173 protein function with a negative predictive value of 80%. In summary, the available evidence is currently insufficient to determine the role of this variant in disease. Therefore, it has been classified as a Variant of Uncertain Significance.

NM_198282.4(STING1):c.80G>C (p.Ser27Thr)

Gene: STING1 (stimulator of interferon response cGAMP interactor 1; minus strand). Cytogenetic location: 5q31.2.
Variant type: single nucleotide variant.
Coding change: c.80G>C on transcript NM_198282.4 (MANE Select); coding-DNA position 80, G replaced by C.
Protein change: p.Ser27Thr; replaces serine 27 with threonine.
Molecular consequence: missense variant. On other transcripts: intron variant (1).
Genome position (GRCh38, 1-based): chr5:139,481,625, C>G on the plus strand (G>C on the coding strand, the complement: STING1 is on the minus strand). VCF-style: chr5-139481625-C-G. GRCh37 (hg19) VCF-style: chr5-138861210-C-G.
Other names: c.80G>C, p.Ser27Thr (NM_001301738.2); c.-130-283G>C (NM_001367258.1); short protein forms S27T.
Identifiers: ClinVar variation 3701677 (VCV003701677.2).